The following is an entry in ClinVar:

NM_001369369.1(FOXN1):c.182C>A (p.Pro61His)

Gene: FOXN1 (forkhead box N1; plus strand). Cytogenetic location: 17q11.2.
Variant type: single nucleotide variant.
Coding change: c.182C>A on transcript NM_001369369.1 (MANE Select); coding-DNA position 182, C replaced by A.
Protein change: p.Pro61His; replaces proline 61 with histidine.
Molecular consequence: missense variant.
Genome position (GRCh38, 1-based): chr17:28,524,561, C>A. VCF-style: chr17-28524561-C-A. GRCh37 (hg19) VCF-style: chr17-26851579-C-A.
Other names: c.182C>A, p.Pro61His (NM_003593.3); short protein forms P61H.
Identifiers: ClinVar variation 1354971 (VCV001354971.6), dbSNP rs1222176476, ClinGen allele CA398320658.

ClinVar aggregate classification (germline): Uncertain significance (1 of 4 stars; one submission).

Conditions:
T-cell immunodeficiency, congenital alopecia, and nail dystrophy. Also called: Congenital alopecia and nail dystrophy associated with severe functional T-cell immunodeficiency; Pignata Guarino syndrome. Identifiers: Orphanet 169095, MedGen C1866426, MONDO:0011132, OMIM 601705.

Allele frequency attached by ClinVar (database versions not stated): TOPMed below 0.00001.

Submission:

Labcorp Genetics (formerly Invitae), Labcorp
Classification: Uncertain significance for T-cell immunodeficiency, congenital alopecia, and nail dystrophy. Last evaluated: 2026-02-01. Review status: criteria provided, single submitter. Criteria: Invitae Variant Classification Sherloc (09022015). Collection method: clinical testing. Allele origin: germline.
Comment: This sequence change replaces proline, which is neutral and non-polar, with histidine, which is basic and polar, at codon 61 of the FOXN1 protein (p.Pro61His). This variant is not present in population databases (gnomAD no frequency). This variant has not been reported in the literature in individuals affected with FOXN1-related conditions. ClinVar contains an entry for this variant (Variation ID: 1354971). Invitae Evidence Modeling of protein sequence and biophysical properties (such as structural, functional, and spatial information, amino acid conservation, physicochemical variation, residue mobility, and thermodynamic stability) indicates that this missense variant is not expected to disrupt FOXN1 protein function with a negative predictive value of 80%. In summary, the available evidence is currently insufficient to determine the role of this variant in disease. Therefore, it has been classified as a Variant of Uncertain Significance.